The following is an entry in ClinVar:

NM_006904.7(PRKDC):c.2837C>T (p.Thr946Met)

Gene: PRKDC (protein kinase, DNA-activated, catalytic subunit; minus strand). Cytogenetic location: 8q11.21.
Variant type: single nucleotide variant.
Coding change: c.2837C>T on transcript NM_006904.7 (MANE Select); coding-DNA position 2837, C replaced by T.
Protein change: p.Thr946Met; replaces threonine 946 with methionine.
Molecular consequence: missense variant.
Genome position (GRCh38, 1-based): chr8:47,912,507, G>A on the plus strand (C>T on the coding strand, the complement: PRKDC is on the minus strand). VCF-style: chr8-47912507-G-A. GRCh37 (hg19) VCF-style: chr8-48825067-G-A.
Other names: c.2837C>T, p.Thr946Met (NM_001081640.2); short protein forms T946M.
Identifiers: ClinVar variation 1796656 (VCV001796656.3), dbSNP rs766087987, ClinGen allele CA4741355.
Genomic context (GRCh38, chr8:47,912,507, plus strand): 5'-AACGTCCGCTTATAGAGCTGGTACATGGGTGGGGCTCCCTGTCCCCCTTCTGGCATCTGC[G>A]TGGCTTTGCCCAACATAAACATAACCATGCTATGTAAAAGTTCACAGGCTGCAACCTAAA-3'
Protein context (NP_008835.5, residues 936-956): SMVMFMLGKA[Thr946Met]QMPEGGQGAP

ClinVar aggregate classification (germline): Uncertain significance. Review status: criteria provided, multiple submitters, no conflicts (2 of 4 stars). 2 submissions from 2 submitters: Uncertain significance (2). Last evaluated 2023-10-17.

Conditions:
Severe combined immunodeficiency due to DNA-PKcs deficiency. Also called: IMMUNODEFICIENCY 26 WITH NEUROLOGIC ABNORMALITIES; Immunodeficiency 26 with or without neurologic abnormalities. Identifiers: Orphanet 317425, MedGen C4014833, MONDO:0014423, OMIM 615966.

Allele frequency attached by ClinVar (database versions not stated): gnomAD 0.00001; TOPMed 0.00002.
gnomAD v4.1: 6 of 1,612,378 alleles (0.00037%); highest among the groups gnomAD compares: Admixed American, 0.0033%; no homozygotes.

Submissions (2):

Labcorp Genetics (formerly Invitae), Labcorp
Classification: Uncertain significance for Severe combined immunodeficiency due to DNA-PKcs deficiency. Last evaluated: 2023-10-17. Review status: criteria provided, single submitter. Criteria: Invitae Variant Classification Sherloc (09022015). Collection method: clinical testing. Allele origin: germline.
Comment: This sequence change replaces threonine, which is neutral and polar, with methionine, which is neutral and non-polar, at codon 946 of the PRKDC protein (p.Thr946Met). This variant is present in population databases (rs766087987, gnomAD 0.006%). This variant has not been reported in the literature in individuals affected with PRKDC-related conditions. ClinVar contains an entry for this variant (Variation ID: 1796656). Advanced modeling of protein sequence and biophysical properties (such as structural, functional, and spatial information, amino acid conservation, physicochemical variation, residue mobility, and thermodynamic stability) performed at Invitae indicates that this missense variant is expected to disrupt PRKDC protein function. In summary, the available evidence is currently insufficient to determine the role of this variant in disease. Therefore, it has been classified as a Variant of Uncertain Significance.

Ambry Genetics
Classification: Uncertain significance. Last evaluated: 2022-03-23. Review status: criteria provided, single submitter. Criteria: Ambry Variant Classification Scheme 2023. Collection method: clinical testing. Allele origin: germline.
Comment: The p.T946M variant (also known as c.2837C>T), located in coding exon 25 of the PRKDC gene, results from a C to T substitution at nucleotide position 2837. The threonine at codon 946 is replaced by methionine, an amino acid with similar properties. This amino acid position is conserved. In addition, this alteration is predicted to be tolerated by in silico analysis. Since supporting evidence is limited at this time, the clinical significance of this alteration remains unclear.